The following is an entry in ClinVar:

ClinVar aggregate classification (germline): Benign/Likely benign. Review status: criteria provided, multiple submitters, no conflicts (2 of 4 stars). 4 submissions from 4 submitters: Benign (1); Likely benign (2). 1 of the submissions does not count toward it. Last evaluated 2025-08-18.

Conditions:
MET-related disorder. Also called: MET-related condition.
Papillary renal cell carcinoma type 1 (RCCP1). Also called: RENAL CELL CARCINOMA, PAPILLARY, 1, SOMATIC; Renal adenocarcinoma; Renal cell carcinoma 1; Renal cell carcinoma, somatic. Identifiers: Orphanet 47044, MedGen C1336839, OMIM 605074, HP:0011797.
Renal cell carcinoma. Identifiers: Orphanet 217071, MedGen C0007134, MeSH D002292, MONDO:0005086, HP:0005584.
Hereditary cancer-predisposing syndrome. Also called: Neoplastic Syndromes, Hereditary; Hereditary neoplastic syndrome; Tumor predisposition; Hereditary Cancer Syndrome. Identifiers: Orphanet 140162, MedGen C0027672, MeSH D009386, MONDO:0015356.

Allele frequency attached by ClinVar (database versions not stated): gnomAD below 0.00001 and 0.00005; gnomAD exomes 0.00003 and 0.00006; ExAC 0.00007; 1000 Genomes Project 30x 0.00078; 1000 Genomes Project 0.00080.
gnomAD v4.1: 54 of 1,614,136 alleles (0.0033%); highest among the groups gnomAD compares: South Asian, 0.054%; no homozygotes.

Submissions (4):

Labcorp Genetics (formerly Invitae), Labcorp
Classification: Likely benign for Renal cell carcinoma. Last evaluated: 2025-08-18. Review status: criteria provided, single submitter. Criteria: Invitae Variant Classification Sherloc (09022015). Collection method: clinical testing. Allele origin: germline.

Myriad Genetics, Inc.
Classification: Benign for Papillary renal cell carcinoma type 1. Last evaluated: 2024-11-14. Review status: criteria provided, single submitter. Criteria: Myriad Autosomal Dominant, Autosomal Recessive and X-Linked Classification Criteria (2023). Collection method: clinical testing. Allele origin: unknown.
Comment: This variant is considered benign. This variant is a silent/synonymous amino acid change and it is not expected to impact splicing.

Ambry Genetics
Classification: Likely benign for Hereditary cancer-predisposing syndrome. Last evaluated: 2020-12-07. Review status: criteria provided, single submitter. Criteria: Ambry Variant Classification Scheme 2023. Collection method: clinical testing. Allele origin: germline.

PreventionGenetics, part of Exact Sciences
Classification: Likely benign for MET-related condition. Last evaluated: 2019-07-30. Review status: no assertion criteria provided. Collection method: clinical testing. Allele origin: germline. Not counted in ClinVar's aggregate classification.
Comment: This variant is classified as likely benign based on ACMG/AMP sequence variant interpretation guidelines (Richards et al. 2015 PMID: 25741868, with internal and published modifications).

NM_000245.4(MET):c.3915C>T (p.Pro1305=)

Gene: MET (MET proto-oncogene, receptor tyrosine kinase; plus strand). Cytogenetic location: 7q31.2.
Variant type: single nucleotide variant.
Coding change: c.3915C>T on transcript NM_000245.4 (MANE Select); coding-DNA position 3915, C replaced by T.
Protein change: p.Pro1305=; no amino-acid change (proline 1305 retained).
Molecular consequence: synonymous variant.
Genome position (GRCh38, 1-based): chr7:116,795,771, C>T. VCF-style: chr7-116795771-C-T. GRCh37 (hg19) VCF-style: chr7-116435825-C-T.
Other names: c.3969C>T (NM_001127500.2, LRG_662t1); c.3969C>T, p.Pro1323= (NM_001127500.3); c.2625C>T, p.Pro875= (NM_001324402.2).
Identifiers: ClinVar variation 524909 (VCV000524909.17), dbSNP rs555099334, ClinGen allele CA4448795.